The following is an entry in ClinVar:

NM_006379.5(SEMA3C):c.1094C>A (p.Ser365Tyr)

Gene: SEMA3C (semaphorin 3C; minus strand). Cytogenetic location: 7q21.11.
Variant type: single nucleotide variant.
Coding change: c.1094C>A on transcript NM_006379.5 (MANE Select); coding-DNA position 1094, C replaced by A.
Protein change: p.Ser365Tyr; replaces serine 365 with tyrosine.
Molecular consequence: missense variant.
Genome position (GRCh38, 1-based): chr7:80,798,129, G>T on the plus strand (C>A on the coding strand, the complement: SEMA3C is on the minus strand). VCF-style: chr7-80798129-G-T. GRCh37 (hg19) VCF-style: chr7-80427445-G-T.
Other names: c.1148C>A, p.Ser383Tyr (NM_001350120.2); c.920C>A, p.Ser307Tyr (NM_001350121.2); short protein forms S307Y, S365Y, S383Y.
Identifiers: ClinVar variation 5002014 (VCV005002014.1).

ClinVar aggregate classification (germline): Uncertain significance (1 of 4 stars; one submission).

Conditions:
SEMA3C-related disorder. Also called: SEMA3C-related condition.

Submission:

PreventionGenetics, part of Exact Sciences
Classification: Uncertain significance for SEMA3C-related condition. Last evaluated: 2024-12-17. Review status: criteria provided, single submitter. Criteria: ACMG Guidelines, 2015. Collection method: clinical testing. Allele origin: germline.
Comment: The SEMA3C c.1148C>A variant is predicted to result in the amino acid substitution p.Ser383Tyr. To our knowledge, this variant has not been reported in the literature or in a large population database (gnomAD), indicating this variant is rare. At this time, the clinical significance of this variant is uncertain due to the absence of conclusive functional and genetic evidence.